The following is an entry in ClinVar:

ClinVar aggregate classification (germline): Uncertain significance (1 of 4 stars; one submission).

Submission:

Ambry Genetics
Classification: Uncertain significance. Last evaluated: 2023-10-27. Review status: criteria provided, single submitter. Criteria: Ambry Variant Classification Scheme 2023. Collection method: clinical testing. Allele origin: germline.
Comment: The p.M551L variant (also known as c.1651A>T), located in coding exon 9 of the PALLD gene, results from an A to T substitution at nucleotide position 1651. The methionine at codon 551 is replaced by leucine, an amino acid with highly similar properties. This amino acid position is conserved. In addition, this alteration is predicted to be tolerated by in silico analysis. Since supporting evidence is limited at this time, the clinical significance of this alteration remains unclear.

NM_001166108.2(PALLD):c.1651A>T (p.Met551Leu)

Gene: PALLD (palladin, cytoskeletal associated protein; plus strand). Cytogenetic location: 4q32.3.
Variant type: single nucleotide variant.
Coding change: c.1651A>T on transcript NM_001166108.2 (MANE Select); coding-DNA position 1651, A replaced by T.
Protein change: p.Met551Leu; replaces methionine 551 with leucine.
Molecular consequence: missense variant.
Genome position (GRCh38, 1-based): chr4:168,711,610, A>T. VCF-style: chr4-168711610-A-T. GRCh37 (hg19) VCF-style: chr4-169632761-A-T.
Other names: c.505A>T, p.Met169Leu (NM_001166109.2); c.1651A>T, p.Met551Leu (NM_016081.4); short protein forms M169L, M551L.
Identifiers: ClinVar variation 3226749 (VCV003226749.1), dbSNP rs1416285102, ClinGen allele CA358797914.